The following is an entry in ClinVar:

ClinVar aggregate classification (germline): Uncertain significance (1 of 4 stars; one submission).

Conditions:
Inborn genetic diseases. Identifiers: MedGen C0950123, MeSH D030342.

Submission:

Ambry Genetics
Classification: Uncertain significance for Inborn genetic diseases. Last evaluated: 2025-09-20. Review status: criteria provided, single submitter. Criteria: Ambry Variant Classification Scheme 2023. Collection method: clinical testing. Allele origin: germline.
Comment: The p.R39G variant (also known as c.115C>G), located in coding exon 2 of the ETV6 gene, results from a C to G substitution at nucleotide position 115. The arginine at codon 39 is replaced by glycine, an amino acid with dissimilar properties. This amino acid position is conserved. In addition, this alteration is predicted to be tolerated by in silico analysis. Based on the available evidence, the clinical significance of this variant remains unclear.

NM_001987.5(ETV6):c.115C>G (p.Arg39Gly)

Gene: ETV6 (ETS variant transcription factor 6; plus strand). Cytogenetic location: 12p13.2.
Variant type: single nucleotide variant.
Coding change: c.115C>G on transcript NM_001987.5 (MANE Select); coding-DNA position 115, C replaced by G.
Protein change: p.Arg39Gly; replaces arginine 39 with glycine.
Molecular consequence: missense variant. On other transcripts: intron variant (1).
Genome position (GRCh38, 1-based): chr12:11,752,531, C>G. VCF-style: chr12-11752531-C-G. GRCh37 (hg19) VCF-style: chr12-11905465-C-G.
Other names: c.112C>G, p.Arg38Gly (NM_001413913.1); c.88C>G, p.Arg30Gly (NM_001413914.1); c.115C>G, p.Arg39Gly (NM_001413916.1, NM_001413917.1, NM_001413918.1); c.-101-86609C>G (NM_001413915.1); short protein forms R30G, R38G, R39G.
Identifiers: ClinVar variation 4618841 (VCV004618841.1).
Genomic context (GRCh38, chr12:11,752,531, plus strand): 5'-CCTCCAGAGAGCCCAGTGCCGAGTTACGCTTCCTCGACGCCACTTCATGTTCCAGTGCCT[C>G]GAGCGCTCAGGATGGAGGAAGACTCGATCCGCCTGCCTGCGCACCTGCGTGAGTGTTCGT-3'
Protein context (NP_001978.1, residues 29-49): SSTPLHVPVP[Arg39Gly]ALRMEEDSIR